The following is an entry in ClinVar:

NM_005631.5(SMO):c.2093C>G (p.Pro698Arg)

Gene: SMO (smoothened, frizzled class receptor; plus strand). Cytogenetic location: 7q32.1.
Variant type: single nucleotide variant.
Coding change: c.2093C>G on transcript NM_005631.5 (MANE Select); coding-DNA position 2093, C replaced by G.
Protein change: p.Pro698Arg; replaces proline 698 with arginine.
Molecular consequence: missense variant.
Genome position (GRCh38, 1-based): chr7:129,212,180, C>G. VCF-style: chr7-129212180-C-G. GRCh37 (hg19) VCF-style: chr7-128852021-C-G.
Other names: c.2093C>G, p.Pro698Arg (LRG_1393t1); short protein forms P698R.
Identifiers: ClinVar variation 135260 (VCV000135260.26), dbSNP rs116640950, ClinGen allele CA162166.

ClinVar aggregate classification (germline): Likely benign. Review status: criteria provided, multiple submitters, no conflicts (2 of 4 stars). 6 submissions from 6 submitters: Likely benign (4). 2 of the submissions do not count toward it. Last evaluated 2026-03-01.

Conditions:
SMO-related disorder. Also called: SMO-related condition.

Allele frequency attached by ClinVar (database versions not stated): gnomAD 0.00166 and 0.00168; gnomAD exomes 0.00172; ESP Exome Variant Server 0.00173; ExAC 0.00301; 1000 Genomes Project 0.00060; 1000 Genomes Project 30x 0.00062; TOPMed 0.00150.
gnomAD v4.1: 4,505 of 1,557,256 alleles (0.29%); highest among the groups gnomAD compares: Non-Finnish European, 0.36%; 10 homozygotes.

Submissions (6):

CeGaT Center for Human Genetics Tuebingen
Classification: Likely benign. Last evaluated: 2026-03-01. Review status: criteria provided, single submitter. Criteria: CeGaT Center For Human Genetics Tuebingen Variant Classification Criteria Version 2. Collection method: clinical testing. Allele origin: germline. Affected: yes. Observed: 4 variant alleles.
Comment: SMO: BP4, BS2

Labcorp Genetics (formerly Invitae), Labcorp
Classification: Likely benign. Last evaluated: 2019-12-31. Review status: criteria provided, single submitter. Criteria: Invitae Variant Classification Sherloc (09022015). Collection method: clinical testing. Allele origin: germline.

GeneDx
Classification: Likely benign. Last evaluated: 2019-03-01. Review status: criteria provided, single submitter. Criteria: GeneDx Variant Classification Process June 2021. Collection method: clinical testing. Allele origin: germline. Affected: yes.
Comment: This variant is associated with the following publications: (PMID: 24728327)

Breakthrough Genomics
Classification: Likely benign. Review status: criteria provided, single submitter. Criteria: ACMG Guidelines, 2015. Collection method: not provided. Allele origin: germline. Inheritance: Autosomal recessive inheritance. Affected: yes.

PreventionGenetics, part of Exact Sciences
Classification: Likely benign for SMO-related condition. Last evaluated: 2022-04-25. Review status: no assertion criteria provided. Collection method: clinical testing. Allele origin: germline. Not counted in ClinVar's aggregate classification.
Comment: This variant is classified as likely benign based on ACMG/AMP sequence variant interpretation guidelines (Richards et al. 2015 PMID: 25741868, with internal and published modifications).

ITMI
No classification provided. Condition: AllHighlyPenetrant. Last evaluated: 2013-09-19. Review status: no classification provided. Collection method: reference population. Allele origin: germline. Not counted in ClinVar's aggregate classification.
Comment: Please see associated publication for description of ethnicities

Literature cited by the submitters: PubMed 24728327 (cited by ITMI).